The following is an entry in ClinVar:

NM_000090.4(COL3A1):c.2998C>T (p.Leu1000Phe)

Gene: COL3A1 (collagen type III alpha 1 chain; plus strand). Cytogenetic location: 2q32.2.
Variant type: single nucleotide variant.
Coding change: c.2998C>T on transcript NM_000090.4 (MANE Select); coding-DNA position 2998, C replaced by T.
Protein change: p.Leu1000Phe; replaces leucine 1000 with phenylalanine.
Molecular consequence: missense variant.
Genome position (GRCh38, 1-based): chr2:189,005,416, C>T. VCF-style: chr2-189005416-C-T. GRCh37 (hg19) VCF-style: chr2-189870142-C-T.
Other names: short protein forms L1000F.
Identifiers: ClinVar variation 3074285 (VCV003074285.3), dbSNP rs2469156431, ClinGen allele CA349844801.

ClinVar aggregate classification (germline): Uncertain significance. Review status: criteria provided, multiple submitters, no conflicts (2 of 4 stars). 2 submissions from 2 submitters: Uncertain significance (2). Last evaluated 2024-12-03.

Conditions:
Ehlers-Danlos syndrome, type 4 (EDSVASC). Also called: Ehlers-Danlos Syndrome Type IV; Ehlers-Danlos syndrome vascular type; Ehlers Danlos syndrome, ecchymotic type; Ehlers Danlos syndrome, arterial type; Ehlers Danlos syndrome, Sack-Barabas type. Identifiers: Orphanet 286, MedGen C0268338, MONDO:0017314, OMIM 130050.

Allele frequency attached by ClinVar (database versions not stated): gnomAD exomes below 0.00001.
gnomAD v4.1: 1 of 1,614,058 alleles (0.000062%); highest among the groups gnomAD compares: Non-Finnish European, 0.000085%; no homozygotes.

Submissions (2):

Labcorp Genetics (formerly Invitae), Labcorp
Classification: Uncertain significance for Ehlers-Danlos syndrome, type 4. Last evaluated: 2024-12-03. Review status: criteria provided, single submitter. Criteria: Invitae Variant Classification Sherloc (09022015). Collection method: clinical testing. Allele origin: germline.
Comment: This sequence change replaces leucine, which is neutral and non-polar, with phenylalanine, which is neutral and non-polar, at codon 1000 of the COL3A1 protein (p.Leu1000Phe). This variant is not present in population databases (gnomAD no frequency). This variant has not been reported in the literature in individuals affected with COL3A1-related conditions. ClinVar contains an entry for this variant (Variation ID: 3074285). Invitae Evidence Modeling of protein sequence and biophysical properties (such as structural, functional, and spatial information, amino acid conservation, physicochemical variation, residue mobility, and thermodynamic stability) indicates that this missense variant is not expected to disrupt COL3A1 protein function with a negative predictive value of 95%. In summary, the available evidence is currently insufficient to determine the role of this variant in disease. Therefore, it has been classified as a Variant of Uncertain Significance.

All of Us Research Program, National Institutes of Health
Classification: Uncertain significance for Ehlers-Danlos syndrome, type 4. Last evaluated: 2023-11-02. Review status: criteria provided, single submitter. Criteria: ACMG Guidelines, 2015. Collection method: clinical testing. Allele origin: germline. Inheritance: Autosomal dominant inheritance. Observed: 1 variant allele, 1 heterozygote.
Comment: This missense variant replaces leucine with phenylalanine at codon 1000 of the COL3A1 protein. Computational prediction suggests that this variant may not impact protein structure and function (internally defined REVEL score threshold <= 0.5, PMID: 27666373). To our knowledge, functional studies have not been reported for this variant. This variant has not been reported in individuals affected with COL3A1-related disorders in the literature. This variant has not been identified in the general population by the Genome Aggregation Database (gnomAD). The available evidence is insufficient to determine the role of this variant in disease conclusively. Therefore, this variant is classified as a Variant of Uncertain Significance.

This study involves interpretation of variants in research participants for the purpose of population health screening. Participant phenotype was not available at the time of variant classification. Additional details can be found in publication PMID: 35346344, PMCID: PMC8962531